The following is an entry in ClinVar:

NM_014225.6(PPP2R1A):c.1468T>G (p.Ser490Ala)

Gene: PPP2R1A (protein phosphatase 2 scaffold subunit Aalpha; plus strand). Cytogenetic location: 19q13.41.
Variant type: single nucleotide variant.
Coding change: c.1468T>G on transcript NM_014225.6 (MANE Select); coding-DNA position 1468, T replaced by G.
Protein change: p.Ser490Ala; replaces serine 490 with alanine.
Molecular consequence: missense variant. On other transcripts: non-coding transcript variant (1).
Genome position (GRCh38, 1-based): chr19:52,221,083, T>G. VCF-style: chr19-52221083-T-G. GRCh37 (hg19) VCF-style: chr19-52724336-T-G.
Other names: c.931T>G, p.Ser311Ala (NM_001363656.2); short protein forms S311A, S490A.
Identifiers: ClinVar variation 2074243 (VCV002074243.4), dbSNP rs2514101186, ClinGen allele CA407190319.

ClinVar aggregate classification (germline): Uncertain significance (1 of 4 stars; one submission).

Submission:

Labcorp Genetics (formerly Invitae), Labcorp
Classification: Uncertain significance. Last evaluated: 2023-10-03. Review status: criteria provided, single submitter. Criteria: Invitae Variant Classification Sherloc (09022015). Collection method: clinical testing. Allele origin: germline.
Comment: This sequence change replaces serine, which is neutral and polar, with alanine, which is neutral and non-polar, at codon 490 of the PPP2R1A protein (p.Ser490Ala). This variant is not present in population databases (gnomAD no frequency). This variant has not been reported in the literature in individuals affected with PPP2R1A-related conditions. ClinVar contains an entry for this variant (Variation ID: 2074243). An algorithm developed to predict the effect of missense changes on protein structure and function (PolyPhen-2) suggests that this variant is likely to be tolerated. In summary, the available evidence is currently insufficient to determine the role of this variant in disease. Therefore, it has been classified as a Variant of Uncertain Significance.